The following is an entry in ClinVar:

ClinVar aggregate classification (germline): Uncertain significance (1 of 4 stars; one submission).

Submission:

Labcorp Genetics (formerly Invitae), Labcorp
Classification: Uncertain significance. Last evaluated: 2022-05-26. Review status: criteria provided, single submitter. Criteria: Invitae Variant Classification Sherloc (09022015). Collection method: clinical testing. Allele origin: germline.
Comment: In summary, the available evidence is currently insufficient to determine the role of this variant in disease. Therefore, it has been classified as a Variant of Uncertain Significance. Algorithms developed to predict the effect of sequence changes on RNA splicing suggest that this variant may create or strengthen a splice site. This variant has not been reported in the literature in individuals affected with CACNA1E-related conditions. This variant is not present in population databases (gnomAD no frequency). This sequence change affects codon 380 of the CACNA1E mRNA. It is a 'silent' change, meaning that it does not change the encoded amino acid sequence of the CACNA1E protein.

NM_001205293.3(CACNA1E):c.1138C>T (p.Leu380=)

Gene: CACNA1E (calcium voltage-gated channel subunit alpha1 E; plus strand). Cytogenetic location: 1q25.3.
Variant type: single nucleotide variant.
Coding change: c.1138C>T on transcript NM_001205293.3 (MANE Select); coding-DNA position 1138, C replaced by T.
Protein change: p.Leu380=; no amino-acid change (leucine 380 retained).
Molecular consequence: synonymous variant.
Genome position (GRCh38, 1-based): chr1:181,711,036, C>T. VCF-style: chr1-181711036-C-T. GRCh37 (hg19) VCF-style: chr1-181680172-C-T.
Other names: c.1138C>T, p.Leu380= (NM_000721.4, NM_001205294.2).
Identifiers: ClinVar variation 1999020 (VCV001999020.4), dbSNP rs2528443786, ClinGen allele CA422069878.